The following is an entry in ClinVar:

ClinVar aggregate classification (germline): Uncertain significance. Review status: criteria provided, multiple submitters, no conflicts (2 of 4 stars). 2 submissions from 2 submitters: Uncertain significance (2). Last evaluated 2023-10-25.

Conditions:
Familial thoracic aortic aneurysm and aortic dissection (TAAD). Also called: Thoracic aortic aneurysms and dissections. Identifiers: Orphanet 91387, MedGen C4707243, MONDO:0019625.

Submissions (2):

GeneDx
Classification: Uncertain significance. Last evaluated: 2023-10-25. Review status: criteria provided, single submitter. Criteria: GeneDx Variant Classification Process June 2021. Collection method: clinical testing. Allele origin: germline. Affected: yes.
Comment: Has not been previously published as pathogenic or benign to our knowledge; Not observed at significant frequency in large population cohorts (gnomAD); In silico analysis supports that this variant does not alter protein structure/function; Not located in the triple helical region, where the majority of pathogenic missense variants occur (HGMD)

Color Diagnostics, LLC DBA Color Health
Classification: Uncertain significance for Familial thoracic aortic aneurysm and aortic dissection. Last evaluated: 2023-08-08. Review status: criteria provided, single submitter. Criteria: ACMG Guidelines, 2015. Collection method: clinical testing. Allele origin: germline.
Comment: This missense variant replaces glycine with leucine at codon 1201 of the COL3A1 protein. To our knowledge, functional studies have not been reported for this variant. This variant has not been reported in individuals affected with COL3A1-related disorders in the literature. This variant has not been identified in the general population by the Genome Aggregation Database (gnomAD). The available evidence is insufficient to determine the role of this variant in disease conclusively. Therefore, this variant is classified as a Variant of Uncertain Significance.

NM_000090.4(COL3A1):c.3601_3602delinsTT (p.Gly1201Leu)

Gene: COL3A1 (collagen type III alpha 1 chain; plus strand). Cytogenetic location: 2q32.2.
Variant type: Indel.
Coding change: c.3601_3602delinsTT on transcript NM_000090.4 (MANE Select); coding-DNA positions 3601 to 3602, GG replaced by TT.
Protein change: p.Gly1201Leu; replaces glycine 1201 with leucine.
Molecular consequence: missense variant.
Genome position (GRCh38, 1-based): chr2:189,008,999-189,009,000, GG replaced by TT. VCF-style: chr2-189008999-GG-TT. GRCh37 (hg19) VCF-style: chr2-189873725-GG-TT.
Other names: c.3601_3602delinsTT (NM_000090.3); short protein forms G1201L.
Identifiers: ClinVar variation 2775155 (VCV002775155.3), dbSNP rs2469166000, ClinGen allele CA2697551459.